The following is an entry in ClinVar:

Conditions:
Breast-ovarian cancer, familial, susceptibility to, 1 (BROVCA1). Also called: BRCA1 Hereditary Breast and Ovarian Cancer; OVARIAN CANCER, SUSCEPTIBILITY TO. Identifiers: Orphanet 145, MedGen C2676676, MONDO:0011450, OMIM 604370. Disease mechanism: loss of function.

Submission:

Brotman Baty Institute, University of Washington
No classification provided (evidence only). Condition: Breast-ovarian cancer, familial 1. Review status: no classification provided. Collection method: in vitro. Allele origin: not applicable. Functional consequence: functionally_normal.
ClinVar note: "not provided" was previously submitted as the classification for the variant. However, the classification appeared to be based only on an observation of functional data so it was converted to no classification on 2025-07-30.

NM_007294.4(BRCA1):c.5332+17A>C

Gene: BRCA1 (BRCA1 DNA repair associated; minus strand). Cytogenetic location: 17q21.31.
Variant type: single nucleotide variant.
Coding change: c.5332+17A>C on transcript NM_007294.4 (MANE Select); 17 bases into the intron after coding-DNA position 5332, A replaced by C.
Molecular consequence: intron variant.
Genome position (GRCh38, 1-based): chr17:43,051,046, T>G on the plus strand (A>C on the coding strand, the complement: BRCA1 is on the minus strand). VCF-style: chr17-43051046-T-G. GRCh37 (hg19) VCF-style: chr17-41203063-T-G.
Other names: c.1879+17A>C (NM_001408458.1, NM_001408461.1, NM_001408464.1 and 7 more transcripts); c.4441+17A>C (NM_001407967.1); c.4951+17A>C (NM_001407959.1); c.5065+17A>C (NM_001407931.1, NM_001407932.1, NM_001407928.1 and 4 more transcripts); c.5188+17A>C (NM_001407747.1, NM_001407745.1, NM_001407737.1 and 21 more transcripts); c.4948+17A>C (NM_001407962.1, NM_001407960.1); c.1519+17A>C (NM_001408512.1); c.1642+17A>C (NM_001408510.1); and 74 more.
Identifiers: ClinVar variation 865333 (VCV000865333.3), dbSNP rs1597804069, ClinGen allele CA916080976.